The following is an entry in ClinVar:

ClinVar aggregate classification (germline): Pathogenic/Likely pathogenic. Review status: criteria provided, multiple submitters, no conflicts (2 of 4 stars). 3 submissions from 3 submitters: Pathogenic (1); Likely pathogenic (2). Last evaluated 2025-04-15.

Conditions:
Familial hyperinsulinism. Also called: Congenital hyperinsulinism. Identifiers: Orphanet 276525, MedGen C3888018, MONDO:0017182. Disease mechanism: loss of function.
Permanent neonatal diabetes mellitus (PNDM). Identifiers: Orphanet 99885, MedGen C1833104, MONDO:0100164, MONDO:0011643. Disease mechanism: gain of function.

Allele frequency attached by ClinVar (database versions not stated): gnomAD exomes below 0.00001.

Submissions (3):

Natera, Inc.
Classification: Likely pathogenic for Permanent neonatal diabetes mellitus. Last evaluated: 2025-04-15. Review status: criteria provided, single submitter. Criteria: Natera Variant Classification Schema (03/2026). Collection method: clinical testing. Allele origin: germline.
Comment: The c.407G>T variant in KCNJ11 is a missense variant predicted to cause substitution of arginine to leucine at amino acid 136. This variant is rare in the general population with a frequency below the threshold expected for the associated phenotype(s). This variant has been observed in one or more individuals affected with the associated recessive disease, as either homozygous or compound heterozygous with a second variant (PMID: 23275527). This variant has been observed in affected individual(s) with monoallelic occurrence (heterozygous/hemizygous) (PMID: 15562009, 28270372, 25639667, 16357843). Computational prediction algorithms indicate this variant is likely to affect gene or protein function. Given the available evidence, this variant is classified as Likely Pathogenic.

Women's Health and Genetics/Laboratory Corporation of America, LabCorp
Classification: Likely pathogenic for Familial hyperinsulinism. Last evaluated: 2024-12-23. Review status: criteria provided, single submitter. Criteria: LabCorp Variant Classification Summary - May 2015. Collection method: clinical testing. Allele origin: germline.
Comment: Variant summary: KCNJ11 c.407G>T (p.Arg136Leu) results in a non-conservative amino acid change in the encoded protein sequence. Five of five in-silico tools predict a damaging effect of the variant on protein function. The variant allele was found at a frequency of 4e-06 in 251002 control chromosomes (gnomAD). c.407G>T has been reported in the literature in individuals affected with Congenital Hyperinsulinism (e.g. Stanley_2004, Snider_2013, Wang_2017). These data indicate that the variant is likely to be associated with disease. To our knowledge, no experimental evidence demonstrating an impact on protein function has been reported. The following publications have been ascertained in the context of this evaluation (PMID: 14715863, 16357843, 23275527, 28270372). ClinVar contains an entry for this variant (Variation ID: 1484521). Based on the evidence outlined above, the variant was classified as likely pathogenic.

Labcorp Genetics (formerly Invitae), Labcorp
Classification: Pathogenic. Last evaluated: 2024-01-29. Review status: criteria provided, single submitter. Criteria: Invitae Variant Classification Sherloc (09022015). Collection method: clinical testing. Allele origin: germline.
Comment: This sequence change replaces arginine, which is basic and polar, with leucine, which is neutral and non-polar, at codon 136 of the KCNJ11 protein (p.Arg136Leu). This variant is present in population databases (no rsID available, gnomAD 0.003%). This missense change has been observed in individuals with clinical features of recessive congenital hyperinsulinism (PMID: 15562009, 23275527). ClinVar contains an entry for this variant (Variation ID: 1484521). Advanced modeling of protein sequence and biophysical properties (such as structural, functional, and spatial information, amino acid conservation, physicochemical variation, residue mobility, and thermodynamic stability) performed at Invitae indicates that this missense variant is expected to disrupt KCNJ11 protein function with a positive predictive value of 95%. This variant disrupts the p.Arg136 amino acid residue in KCNJ11. Other variant(s) that disrupt this residue have been observed in individuals with KCNJ11-related conditions (PMID: 21422196, 28442472), which suggests that this may be a clinically significant amino acid residue. For these reasons, this variant has been classified as Pathogenic.

Literature cited by the submitters: PubMed 23275527 (cited by 3 submitters); PubMed 15562009 (cited by Natera, Inc. and Labcorp Genetics (formerly Invitae), Labcorp); PubMed 28270372 (cited by Natera, Inc. and Women's Health and Genetics/Laboratory Corporation of America, LabCorp); PubMed 25639667 (cited by Natera, Inc.); PubMed 16357843 (cited by Natera, Inc. and Women's Health and Genetics/Laboratory Corporation of America, LabCorp); PubMed 14715863 (cited by Women's Health and Genetics/Laboratory Corporation of America, LabCorp); PubMed 21422196 (cited by Labcorp Genetics (formerly Invitae), Labcorp); PubMed 28442472 (cited by Labcorp Genetics (formerly Invitae), Labcorp).

NM_000525.4(KCNJ11):c.407G>T (p.Arg136Leu)

Gene: KCNJ11 (potassium inwardly rectifying channel subfamily J member 11; minus strand). Cytogenetic location: 11p15.1.
Variant type: single nucleotide variant.
Coding change: c.407G>T on transcript NM_000525.4 (MANE Select); coding-DNA position 407, G replaced by T.
Protein change: p.Arg136Leu; replaces arginine 136 with leucine.
Molecular consequence: missense variant.
Genome position (GRCh38, 1-based): chr11:17,387,685, C>A on the plus strand (G>T on the coding strand, the complement: KCNJ11 is on the minus strand). VCF-style: chr11-17387685-C-A. GRCh37 (hg19) VCF-style: chr11-17409232-C-A.
Other names: c.146G>T, p.Arg49Leu (NM_001166290.2, NM_001377296.1, NM_001377297.1); c.407G>T (NM_000525.3); short protein forms R136L, R49L.
Identifiers: ClinVar variation 1484521 (VCV001484521.10), dbSNP rs1479483693, ClinGen allele CA379773968.